The following is an entry in ClinVar:

NM_000229.2(LCAT):c.23G>A (p.Trp8Ter)

Genes: LCAT (lecithin-cholesterol acyltransferase; minus strand), SLC12A4 (solute carrier family 12 member 4; minus strand). Cytogenetic location: 16q22.1.
Variant type: single nucleotide variant.
Coding change: c.23G>A on transcript NM_000229.2 (MANE Select); coding-DNA position 23, G replaced by A.
Protein change: p.Trp8Ter; replaces tryptophan 8 with a stop codon.
Molecular consequence: nonsense. On other transcripts: 3 prime UTR variant (5).
Genome position (GRCh38, 1-based): chr16:67,944,079, C>T on the plus strand (G>A on the coding strand, the complement: LCAT is on the minus strand). VCF-style: chr16-67944079-C-T. GRCh37 (hg19) VCF-style: chr16-67977982-C-T.
Other names: c.*761G>A (NM_001145961.2, NM_001145962.1, NM_001145963.2 and 2 more transcripts); short protein forms W8*.
Identifiers: ClinVar variation 1969478 (VCV001969478.5), dbSNP rs2544411002, ClinGen allele CA396383039.

ClinVar aggregate classification (germline): Pathogenic (1 of 4 stars; one submission).

Submission:

Labcorp Genetics (formerly Invitae), Labcorp
Classification: Pathogenic. Last evaluated: 2022-03-12. Review status: criteria provided, single submitter. Criteria: Invitae Variant Classification Sherloc (09022015). Collection method: clinical testing. Allele origin: germline.
Comment: This sequence change creates a premature translational stop signal (p.Trp8*) in the LCAT gene. It is expected to result in an absent or disrupted protein product. Loss-of-function variants in LCAT are known to be pathogenic (PMID: 15994445). For these reasons, this variant has been classified as Pathogenic. This variant has not been reported in the literature in individuals affected with LCAT-related conditions. This variant is not present in population databases (gnomAD no frequency).

Literature cited by the submitters: PubMed 15994445.